The following is an entry in ClinVar:

NM_001378457.1(DMXL2):c.9094T>G (p.Ser3032Ala)

Gene: DMXL2 (Dmx like 2; minus strand). Cytogenetic location: 15q21.2.
Variant type: single nucleotide variant.
Coding change: c.9094T>G on transcript NM_001378457.1 (MANE Select); coding-DNA position 9094, T replaced by G.
Protein change: p.Ser3032Ala; replaces serine 3032 with alanine.
Molecular consequence: missense variant. On other transcripts: non-coding transcript variant (2).
Genome position (GRCh38, 1-based): chr15:51,449,067, A>C on the plus strand (T>G on the coding strand, the complement: DMXL2 is on the minus strand). VCF-style: chr15-51449067-A-C. GRCh37 (hg19) VCF-style: chr15-51741264-A-C.
Other names: c.9031T>G, p.Ser3011Ala (NM_001174116.3); c.7120T>G, p.Ser2374Ala (NM_001174117.3); c.9091T>G, p.Ser3031Ala (NM_001378458.1); c.8806T>G, p.Ser2936Ala (NM_001378459.1); c.7009T>G, p.Ser2337Ala (NM_001378460.1); c.9028T>G, p.Ser3010Ala (NM_015263.5); short protein forms S2337A, S2374A, S2936A, S3010A, S3011A, S3031A, S3032A.
Identifiers: ClinVar variation 3612610 (VCV003612610.2).

ClinVar aggregate classification (germline): Uncertain significance (1 of 4 stars; one submission).

Submission:

Labcorp Genetics (formerly Invitae), Labcorp
Classification: Uncertain significance. Last evaluated: 2024-12-04. Review status: criteria provided, single submitter. Criteria: Invitae Variant Classification Sherloc (09022015). Collection method: clinical testing. Allele origin: germline.
Comment: This sequence change replaces serine, which is neutral and polar, with alanine, which is neutral and non-polar, at codon 3011 of the DMXL2 protein (p.Ser3011Ala). This variant is not present in population databases (gnomAD no frequency). This variant has not been reported in the literature in individuals affected with DMXL2-related conditions. An algorithm developed to predict the effect of missense changes on protein structure and function (PolyPhen-2) suggests that this variant is likely to be disruptive. In summary, the available evidence is currently insufficient to determine the role of this variant in disease. Therefore, it has been classified as a Variant of Uncertain Significance.